The following is an entry in ClinVar:

NM_000142.5(FGFR3):c.781G>A (p.Ala261Thr)

Gene: FGFR3 (fibroblast growth factor receptor 3; plus strand). Cytogenetic location: 4p16.3.
Variant type: single nucleotide variant.
Coding change: c.781G>A on transcript NM_000142.5 (MANE Select); coding-DNA position 781, G replaced by A.
Protein change: p.Ala261Thr; replaces alanine 261 with threonine.
Molecular consequence: missense variant. On other transcripts: non-coding transcript variant (1).
Genome position (GRCh38, 1-based): chr4:1,801,876, G>A. VCF-style: chr4-1801876-G-A. GRCh37 (hg19) VCF-style: chr4-1803603-G-A.
Other names: c.781G>A, p.Ala261Thr (NM_001163213.2, NM_001354809.2, NM_001354810.2 and 1 more transcripts); short protein forms A261T.
Identifiers: ClinVar variation 1308572 (VCV001308572.3), dbSNP rs2108783663, ClinGen allele CA355976170.

ClinVar aggregate classification (germline): Uncertain significance (1 of 4 stars; one submission).

Submission:

GeneDx
Classification: Uncertain significance. Last evaluated: 2025-08-26. Review status: criteria provided, single submitter. Criteria: GeneDx Variant Classification Process June 2021. Collection method: clinical testing. Allele origin: germline. Affected: yes.
Comment: Not observed at significant frequency in large population cohorts (gnomAD); In silico analysis supports that this missense variant has a deleterious effect on protein structure/function; Has not been previously published as pathogenic or benign to our knowledge; This variant is associated with the following publications: (PMID: 25282036)